The following is an entry in ClinVar:

ClinVar aggregate classification (germline): Likely benign (0 of 4 stars; one submission).

Conditions:
PLXNA1-related disorder. Also called: PLXNA1-related condition.

gnomAD v4.1: 1 of 1,613,272 alleles (0.000062%); highest among the groups gnomAD compares: Non-Finnish European, 0.000085%; no homozygotes.

Submission:

PreventionGenetics, part of Exact Sciences
Classification: Likely benign for PLXNA1-related condition. Last evaluated: 2024-02-23. Review status: no assertion criteria provided. Collection method: clinical testing. Allele origin: germline.
Comment: This variant is classified as likely benign based on ACMG/AMP sequence variant interpretation guidelines (Richards et al. 2015 PMID: 25741868, with internal and published modifications).

NM_032242.4(PLXNA1):c.4513C>T (p.Leu1505=)

Gene: PLXNA1 (plexin A1; plus strand). Cytogenetic location: 3q21.3.
Variant type: single nucleotide variant.
Coding change: c.4513C>T on transcript NM_032242.4 (MANE Select); coding-DNA position 4513, C replaced by T.
Protein change: p.Leu1505=; no amino-acid change (leucine 1505 retained).
Molecular consequence: synonymous variant.
Genome position (GRCh38, 1-based): chr3:127,028,184, C>T. VCF-style: chr3-127028184-C-T. GRCh37 (hg19) VCF-style: chr3-126747027-C-T.
Identifiers: ClinVar variation 3350093 (VCV003350093.1).